The following is an entry in ClinVar:

NM_004055.5(CAPN5):c.152G>A (p.Trp51Ter)

Gene: CAPN5 (calpain 5; plus strand). Cytogenetic location: 11q13.5.
Variant type: single nucleotide variant.
Coding change: c.152G>A on transcript NM_004055.5 (MANE Select); coding-DNA position 152, G replaced by A.
Protein change: p.Trp51Ter; replaces tryptophan 51 with a stop codon.
Molecular consequence: nonsense.
Genome position (GRCh38, 1-based): chr11:77,085,038, G>A. VCF-style: chr11-77085038-G-A. GRCh37 (hg19) VCF-style: chr11-76796084-G-A.
Other names: short protein forms W51*.
Identifiers: ClinVar variation 954355 (VCV000954355.7), dbSNP rs782508604, ClinGen allele CA6196134.

ClinVar aggregate classification (germline): Uncertain significance (1 of 4 stars; one submission).

Allele frequency attached by ClinVar (database versions not stated): gnomAD exomes below 0.00001 and 0.00002; TOPMed 0.00001; ExAC 0.00003.
gnomAD v4.1: 4 of 1,613,398 alleles (0.00025%); highest among the groups gnomAD compares: Admixed American, 0.0017%; no homozygotes.

Submission:

Labcorp Genetics (formerly Invitae), Labcorp
Classification: Uncertain significance. Last evaluated: 2024-07-31. Review status: criteria provided, single submitter. Criteria: Invitae Variant Classification Sherloc (09022015). Collection method: clinical testing. Allele origin: germline.
Comment: This sequence change creates a premature translational stop signal (p.Trp51*) in the CAPN5 gene. It is expected to result in an absent or disrupted protein product. However, the current clinical and genetic evidence is not sufficient to establish whether loss-of-function variants in CAPN5 cause disease. This variant is present in population databases (rs782508604, gnomAD 0.003%). This variant has not been reported in the literature in individuals affected with CAPN5-related conditions. ClinVar contains an entry for this variant (Variation ID: 954355). In summary, the available evidence is currently insufficient to determine the role of this variant in disease. Therefore, it has been classified as a Variant of Uncertain Significance.